The following is an entry in ClinVar:

NM_001042492.3(NF1):c.3142T>G (p.Trp1048Gly)

Gene: NF1 (neurofibromin 1; plus strand). Cytogenetic location: 17q11.2.
Variant type: single nucleotide variant.
Coding change: c.3142T>G on transcript NM_001042492.3 (MANE Select); coding-DNA position 3142, T replaced by G.
Protein change: p.Trp1048Gly; replaces tryptophan 1048 with glycine.
Molecular consequence: missense variant.
Genome position (GRCh38, 1-based): chr17:31,230,870, T>G. VCF-style: chr17-31230870-T-G. GRCh37 (hg19) VCF-style: chr17-29557888-T-G.
Other names: c.3142T>G, p.Trp1048Gly (NM_000267.4); short protein forms W1048G.
Identifiers: ClinVar variation 457625 (VCV000457625.5), dbSNP rs1555614634, ClinGen allele CA398987981.

ClinVar aggregate classification (germline): Pathogenic (1 of 4 stars; one submission).

Conditions:
Neurofibromatosis, type 1 (NF1). Also called: VON RECKLINGHAUSEN DISEASE; NEUROFIBROMATOSIS, TYPE I, SOMATIC; Peripheral type neurofibromatosis; Neurofibromatosis, type I. Identifiers: Orphanet 636, MedGen C0027831, MONDO:0018975, OMIM 162200. Disease mechanism: loss of function.

Submission:

Labcorp Genetics (formerly Invitae), Labcorp
Classification: Pathogenic for Neurofibromatosis, type 1. Last evaluated: 2024-10-07. Review status: criteria provided, single submitter. Criteria: Invitae Variant Classification Sherloc (09022015). Collection method: clinical testing. Allele origin: germline.
Comment: This sequence change replaces tryptophan, which is neutral and slightly polar, with glycine, which is neutral and non-polar, at codon 1048 of the NF1 protein (p.Trp1048Gly). This variant is not present in population databases (gnomAD no frequency). This missense change has been observed in individual(s) with neurofibromatosis type 1 (PMID: 21520333, 24789688). In at least one individual the variant was observed to be de novo. ClinVar contains an entry for this variant (Variation ID: 457625). Invitae Evidence Modeling of protein sequence and biophysical properties (such as structural, functional, and spatial information, amino acid conservation, physicochemical variation, residue mobility, and thermodynamic stability) indicates that this missense variant is expected to disrupt NF1 protein function with a positive predictive value of 95%. This variant disrupts the p.Trp1048 amino acid residue in NF1. Other variant(s) that disrupt this residue have been determined to be pathogenic (PMID: 23758643). This suggests that this residue is clinically significant, and that variants that disrupt this residue are likely to be disease-causing. For these reasons, this variant has been classified as Pathogenic.

Literature cited by the submitters: PubMed 21520333; PubMed 24789688; PubMed 23758643.